The following is an entry in ClinVar:

NM_004320.6(ATP2A1):c.1465C>T (p.Arg489Ter)

Gene: ATP2A1 (ATPase sarcoplasmic/endoplasmic reticulum Ca2+ transporting 1; plus strand). Cytogenetic location: 16p11.2.
Variant type: single nucleotide variant.
Coding change: c.1465C>T on transcript NM_004320.6 (MANE Select); coding-DNA position 1465, C replaced by T.
Protein change: p.Arg489Ter; replaces arginine 489 with a stop codon.
Molecular consequence: nonsense.
Genome position (GRCh38, 1-based): chr16:28,898,045, C>T. VCF-style: chr16-28898045-C-T. GRCh37 (hg19) VCF-style: chr16-28909366-C-T.
Other names: c.1090C>T, p.Arg364Ter (NM_001286075.2); c.1465C>T, p.Arg489Ter (NM_173201.5); short protein forms R364*, R489*.
Identifiers: ClinVar variation 3001177 (VCV003001177.3), dbSNP rs371090069, ClinGen allele CA279238232.

ClinVar aggregate classification (germline): Pathogenic (1 of 4 stars; one submission).

Conditions:
Brody myopathy. Also called: BRODY DISEASE. Identifiers: Orphanet 53347, MedGen C1832918, MONDO:0010977, OMIM 601003.

gnomAD v4.1: 21 of 1,614,160 alleles (0.0013%); highest among the groups gnomAD compares: East Asian, 0.0022%; no homozygotes.

Submission:

Labcorp Genetics (formerly Invitae), Labcorp
Classification: Pathogenic for Brody myopathy. Last evaluated: 2023-10-29. Review status: criteria provided, single submitter. Criteria: Invitae Variant Classification Sherloc (09022015). Collection method: clinical testing. Allele origin: germline.
Comment: This sequence change creates a premature translational stop signal (p.Arg489*) in the ATP2A1 gene. It is expected to result in an absent or disrupted protein product. Loss-of-function variants in ATP2A1 are known to be pathogenic (PMID: 8841193, 10914677, 23911890). This variant is present in population databases (no rsID available, gnomAD 0.0009%). This variant has not been reported in the literature in individuals affected with ATP2A1-related conditions. For these reasons, this variant has been classified as Pathogenic.

Literature cited by the submitters: PubMed 8841193; PubMed 10914677; PubMed 23911890.